The following is an entry in ClinVar:

ClinVar aggregate classification (germline): Likely pathogenic (1 of 4 stars; one submission).

Conditions:
Pyridoxine-dependent epilepsy (EPEO4). Also called: PYRIDOXINE DEPENDENCY WITH SEIZURES; Pyridoxine-Dependent Seizures; Pyridoxine-Dependent Epilepsy - ALDH7A1; EPILEPSY, EARLY-ONSET, 4, VITAMIN B6-DEPENDENT. Identifiers: Orphanet 3006, MedGen C1849508, MONDO:0009945, OMIM 266100. Disease mechanism: loss of function.

Submission:

Neurogenetics Team, Indira Gandhi Institute of Child Health
Classification: Likely pathogenic for Pyridoxine-dependent epilepsy. Last evaluated: 2024-10-19. Review status: criteria provided, single submitter. Criteria: ACMG Guidelines, 2015. Collection method: clinical testing. Allele origin: biparental. Inheritance: Autosomal recessive inheritance. Affected: yes. Observed: 1 compound heterozygote.
Comment: The variant, c.1009-1G>A is located in a gene where where Loss of function mutations is a known mechanism of disease causation (PVS1). The variant is located in the splice accepter site and is likely to disrupt splicing. The variant is found at extremely low frequency in population databases (PM2). Based on the above findings the variant is classified as likely pathogenic as per ACMG-AMP classification for sequence variants.This variant has been identified in compound heterozygous state with a missense variant c.1426T>G.

NM_001182.5(ALDH7A1):c.1009-1G>A

Gene: ALDH7A1 (aldehyde dehydrogenase 7 family member A1; minus strand). Cytogenetic location: 5q23.2.
Variant type: single nucleotide variant.
Coding change: c.1009-1G>A on transcript NM_001182.5 (MANE Select); the canonical splice acceptor site of the intron before coding-DNA position 1009, G replaced by A.
Molecular consequence: splice acceptor variant. On other transcripts: intron variant (1).
Genome position (GRCh38, 1-based): chr5:126,556,016, C>T on the plus strand (G>A on the coding strand, the complement: ALDH7A1 is on the minus strand). VCF-style: chr5-126556016-C-T. GRCh37 (hg19) VCF-style: chr5-125891708-C-T.
Other names: c.1008+3224G>A (NM_001202404.2); c.925-1G>A (NM_001201377.2).
Identifiers: ClinVar variation 3384685 (VCV003384685.2).